The following is an entry in ClinVar:

ClinVar aggregate classification (germline): Uncertain significance. Review status: criteria provided, multiple submitters, no conflicts (2 of 4 stars). 2 submissions from 2 submitters: Uncertain significance (2). Last evaluated 2025-06-29.

Conditions:
Familial thoracic aortic aneurysm and aortic dissection (TAAD). Also called: Thoracic aortic aneurysms and dissections. Identifiers: Orphanet 91387, MedGen C4707243, MONDO:0019625.
Ehlers-Danlos syndrome, type 4 (EDSVASC). Also called: Ehlers-Danlos syndrome vascular type; Ehlers Danlos syndrome, ecchymotic type; Ehlers Danlos syndrome, arterial type; Ehlers Danlos syndrome, Sack-Barabas type; Ehlers-Danlos Syndrome Type IV. Identifiers: Orphanet 286, MedGen C0268338, MONDO:0017314, OMIM 130050.

gnomAD v4.1: 2 of 1,612,244 alleles (0.00012%); highest among the groups gnomAD compares: East Asian, 0.0045%; no homozygotes.

Submissions (2):

Color Diagnostics, LLC DBA Color Health
Classification: Uncertain significance for Familial thoracic aortic aneurysm and aortic dissection. Last evaluated: 2025-06-29. Review status: criteria provided, single submitter. Criteria: ACMG Guidelines, 2015. Collection method: clinical testing. Allele origin: germline.
Comment: This missense variant replaces tyrosine with cysteine at codon 172 of the COL3A1 protein. Computational prediction suggests that this variant may not impact protein structure and function. To our knowledge, functional studies have not been reported for this variant. This variant has not been reported in individuals affected with COL3A1-related disorders in the literature. This variant has been identified in 1/250950 chromosomes in the general population by the Genome Aggregation Database (gnomAD). The available evidence is insufficient to determine the role of this variant in disease conclusively. Therefore, this variant is classified as a Variant of Uncertain Significance.

Labcorp Genetics (formerly Invitae), Labcorp
Classification: Uncertain significance for Ehlers-Danlos syndrome, type 4. Last evaluated: 2022-03-23. Review status: criteria provided, single submitter. Criteria: Invitae Variant Classification Sherloc (09022015). Collection method: clinical testing. Allele origin: germline.
Comment: In summary, the available evidence is currently insufficient to determine the role of this variant in disease. Therefore, it has been classified as a Variant of Uncertain Significance. Advanced modeling of protein sequence and biophysical properties (such as structural, functional, and spatial information, amino acid conservation, physicochemical variation, residue mobility, and thermodynamic stability) performed at Invitae indicates that this missense variant is not expected to disrupt COL3A1 protein function. This variant has not been reported in the literature in individuals affected with COL3A1-related conditions. This variant is present in population databases (no rsID available, gnomAD 0.006%). This sequence change replaces tyrosine, which is neutral and polar, with cysteine, which is neutral and slightly polar, at codon 172 of the COL3A1 protein (p.Tyr172Cys).

NM_000090.4(COL3A1):c.515A>G (p.Tyr172Cys)

Gene: COL3A1 (collagen type III alpha 1 chain; plus strand). Cytogenetic location: 2q32.2.
Variant type: single nucleotide variant.
Coding change: c.515A>G on transcript NM_000090.4 (MANE Select); coding-DNA position 515, A replaced by G.
Protein change: p.Tyr172Cys; replaces tyrosine 172 with cysteine.
Molecular consequence: missense variant.
Genome position (GRCh38, 1-based): chr2:188,987,126, A>G. VCF-style: chr2-188987126-A-G. GRCh37 (hg19) VCF-style: chr2-189851852-A-G.
Other names: short protein forms Y172C.
Identifiers: ClinVar variation 2172841 (VCV002172841.4), dbSNP rs771654029, ClinGen allele CA349848170.